The following is an entry in ClinVar:

ClinVar aggregate classification (germline): Likely benign. Review status: criteria provided, multiple submitters, no conflicts (2 of 4 stars). 3 submissions from 3 submitters: Likely benign (3). Last evaluated 2025-07-09.

Conditions:
Aortic aneurysm, familial thoracic 4 (AAT4). Also called: AORTIC ANEURYSM/AORTIC DISSECTION AND PATENT DUCTUS ARTERIOSUS. Identifiers: MedGen C1851504, MONDO:0007568, OMIM 132900.
Familial thoracic aortic aneurysm and aortic dissection (TAAD). Also called: Thoracic aortic aneurysms and dissections. Identifiers: Orphanet 91387, MedGen C4707243, MONDO:0019625.

Allele frequency attached by ClinVar (database versions not stated): ExAC 0.00001; gnomAD exomes 0.00001; ESP Exome Variant Server 0.00008.
gnomAD v4.1: 20 of 1,613,830 alleles (0.0012%); highest among the groups gnomAD compares: Non-Finnish European, 0.0016%; no homozygotes.

Submissions (3):

Labcorp Genetics (formerly Invitae), Labcorp
Classification: Likely benign for Aortic aneurysm, familial thoracic 4. Last evaluated: 2025-07-09. Review status: criteria provided, single submitter. Criteria: Invitae Variant Classification Sherloc (09022015). Collection method: clinical testing. Allele origin: germline.

All of Us Research Program, National Institutes of Health
Classification: Likely benign for Familial thoracic aortic aneurysm and aortic dissection. Last evaluated: 2023-08-15. Review status: criteria provided, single submitter. Criteria: ACMG Guidelines, 2015. Collection method: clinical testing. Allele origin: germline. Inheritance: Autosomal dominant inheritance. Observed: 1 variant allele, 1 heterozygote.
Comment: This study involves interpretation of variants in research participants for the purpose of population health screening. Participant phenotype was not available at the time of variant classification. Additional details can be found in publication PMID: 35346344, PMCID: PMC8962531

Color Diagnostics, LLC DBA Color Health
Classification: Likely benign for Familial thoracic aortic aneurysm and aortic dissection. Last evaluated: 2018-09-04. Review status: criteria provided, single submitter. Criteria: ACMG Guidelines, 2015. Collection method: clinical testing. Allele origin: germline.

NM_002474.3(MYH11):c.1249-7T>C

Gene: MYH11 (myosin heavy chain 11; minus strand). Cytogenetic location: 16p13.11.
Variant type: single nucleotide variant.
Coding change: c.1249-7T>C on transcript NM_002474.3 (MANE Select); 7 bases into the intron before coding-DNA position 1249, T replaced by C.
Molecular consequence: intron variant.
Genome position (GRCh38, 1-based): chr16:15,759,735, A>G on the plus strand (T>C on the coding strand, the complement: MYH11 is on the minus strand). VCF-style: chr16-15759735-A-G. GRCh37 (hg19) VCF-style: chr16-15853592-A-G.
Other names: c.1249-7T>C (NM_022844.3); c.1270-7T>C (NM_001040114.2, NM_001040113.2).
Identifiers: ClinVar variation 629212 (VCV000629212.10), dbSNP rs370885351, ClinGen allele CA7922653.